The following is an entry in ClinVar:

ClinVar aggregate classification (germline): Conflicting classifications of pathogenicity. Review status: criteria provided, conflicting classifications (1 of 4 stars). 6 submissions from 6 submitters: Uncertain significance (5); Likely benign (1). Last evaluated 2026-01-19.

Conditions:
Fanconi anemia complementation group Q. Identifiers: Orphanet 84, MedGen C3808988, MONDO:0014108, OMIM 615272.
Cockayne syndrome. Identifiers: Orphanet 191, MedGen C0009207, MONDO:0016006.
Xeroderma pigmentosum, group F (XPF). Also called: XERODERMA PIGMENTOSUM, COMPLEMENTATION GROUP F; ERCC4-Related Xeroderma Pigmentosum; XERODERMA PIGMENTOSUM VI; XP, GROUP F; XERODERMA PIGMENTOSUM, TYPE F; Xeroderma pigmentosum, type 6. Identifiers: MedGen C0268140, MONDO:0010215, OMIM 278760.

Allele frequency attached by ClinVar (database versions not stated): ESP Exome Variant Server 0.00015; TOPMed 0.00017; gnomAD 0.00070.

Submissions (6):

Women's Health and Genetics/Laboratory Corporation of America, LabCorp
Classification: Likely benign. Last evaluated: 2026-01-19. Review status: criteria provided, single submitter. Criteria: LabCorp Variant Classification Summary - May 2015. Collection method: clinical testing. Allele origin: germline.
Comment: Variant summary: ERCC4 c.532G>T (p.Val178Leu) results in a conservative amino acid change in the encoded protein sequence. Algorithms developed to predict the effect of missense changes on protein structure and function are either unavailable or do not agree on the potential impact of this missense change. The variant allele was found at a frequency of 0.00031 in 251460 control chromosomes (gnomAD). The observed variant frequency exceeds the estimated maximal expected allele frequency for disease-causing variants in ERCC4. c.532G>T has been observed in individuals affected with pancreatic ductal adenocarcinoma, endometrial cancer or fumarate hydratase mutation-associated glioma (Shindo_2017, Zheng_2024, Reimann_2025). These reports do not provide unequivocal conclusions about association of the variant with Xeroderma Pigmentosum. To our knowledge, no experimental evidence demonstrating an impact on protein function has been reported. The following publications have been ascertained in the context of this evaluation (PMID: 39279228, 28767289, 39400928). ClinVar contains an entry for this variant (Variation ID: 474207). Based on the evidence outlined above, the variant was classified as likely benign.

Blueprint Genetics
Classification: Uncertain significance. Last evaluated: 2024-11-13. Review status: criteria provided, single submitter. Criteria: ACMG Guidelines, 2015. Collection method: clinical testing. Allele origin: germline.

Labcorp Genetics (formerly Invitae), Labcorp
Classification: Uncertain significance for Fanconi anemia complementation group Q; Xeroderma pigmentosum, group F; Cockayne syndrome. Last evaluated: 2022-08-27. Review status: criteria provided, single submitter. Criteria: Invitae Variant Classification Sherloc (09022015). Collection method: clinical testing. Allele origin: germline.
Comment: This sequence change replaces valine, which is neutral and non-polar, with leucine, which is neutral and non-polar, at codon 178 of the ERCC4 protein (p.Val178Leu). This variant is present in population databases (rs149927607, gnomAD 0.06%). This missense change has been observed in individual(s) with pancreatic ductal adenocarcinoma (PMID: 28767289). ClinVar contains an entry for this variant (Variation ID: 474207). Algorithms developed to predict the effect of missense changes on protein structure and function (SIFT, PolyPhen-2, Align-GVGD) all suggest that this variant is likely to be tolerated. In summary, the available evidence is currently insufficient to determine the role of this variant in disease. Therefore, it has been classified as a Variant of Uncertain Significance.

Genetic Services Laboratory, University of Chicago
Classification: Uncertain significance. Last evaluated: 2021-07-13. Review status: criteria provided, single submitter. Criteria: ACMG Guidelines, 2015. Collection method: clinical testing. Allele origin: germline. Affected: no.
Comment: DNA sequence analysis of the ERCC4 gene demonstrated a sequence change, c.532G>T, in exon 3 that results in an amino acid change, p.Val178Leu. This sequence change has been described in the gnomAD database with frequency of 0.059% in the non-Finnish European subpopulation (dbSNP rs149927607). The p.Val178Leu change affects a moderately conserved amino acid residue located in a domain of the ERCC4 protein that is known to be functional. The p.Val178Leu substitution appears to be benign using several in-silico pathogenicity prediction tools (SIFT, PolyPhen2, Align GVGD, REVEL). This sequence change has been reported in an individual with pancreatic adenocarcinoma and a family history of lymphoma and brain cancer (PMID: 28767289). Due to insufficient evidences and the lack of functional studies, the clinical significance of the p.Val178Leu change remains unknown at this time.

GeneDx
Classification: Uncertain significance. Last evaluated: 2020-04-24. Review status: criteria provided, single submitter. Criteria: GeneDx Variant Classification Process June 2021. Collection method: clinical testing. Allele origin: germline. Affected: yes.
Comment: Identified in an individual with pancreatic ductal adenocarcinoma; considered a variant of uncertain significance by the authors (Shindo et al., 2017); In silico analysis supports that this missense variant does not alter protein structure/function; This variant is associated with the following publications: (PMID: 28767289)

Illumina Laboratory Services, Illumina
Classification: Uncertain significance for Xeroderma pigmentosum, group F. Last evaluated: 2018-01-13. Review status: criteria provided, single submitter. Criteria: ICSL Variant Classification Criteria 13 December 2019. Collection method: clinical testing. Allele origin: germline.

Literature cited by the submitters: PubMed 28767289 (cited by Women's Health and Genetics/Laboratory Corporation of America, LabCorp and Labcorp Genetics (formerly Invitae), Labcorp); PubMed 39279228 (cited by Women's Health and Genetics/Laboratory Corporation of America, LabCorp); PubMed 39400928 (cited by Women's Health and Genetics/Laboratory Corporation of America, LabCorp).

NM_005236.3(ERCC4):c.532G>T (p.Val178Leu)

Gene: ERCC4 (ERCC excision repair 4, endonuclease catalytic subunit; plus strand). Cytogenetic location: 16p13.12.
Variant type: single nucleotide variant.
Coding change: c.532G>T on transcript NM_005236.3 (MANE Select); coding-DNA position 532, G replaced by T.
Protein change: p.Val178Leu; replaces valine 178 with leucine.
Molecular consequence: missense variant.
Genome position (GRCh38, 1-based): chr16:13,926,704, G>T. VCF-style: chr16-13926704-G-T. GRCh37 (hg19) VCF-style: chr16-14020561-G-T.
Other names: short protein forms V178L.
Identifiers: ClinVar variation 474207 (VCV000474207.16), dbSNP rs149927607, ClinGen allele CA7910213.
Genomic context (GRCh38, chr16:13,926,704, plus strand): 5'-CGTGGTTTTATTAAAGCTTTCACAGACAATGCTGTTGCCTTTGATACTGGTTTTTGTCAT[G>T]TGGAAAGAGTGATGAGAAATCTTTTTGTGAGGAAACTGTATCTGTGGCCAAGGTAAAGAA-3'
Protein context (NP_005227.1, residues 168-188): AVAFDTGFCH[Val178Leu]ERVMRNLFVR